The following is an entry in ClinVar:

ClinVar aggregate classification (germline): Uncertain significance (1 of 4 stars; one submission).

gnomAD v4.1: 21 of 1,613,120 alleles (0.0013%); highest among the groups gnomAD compares: Admixed American, 0.013%; no homozygotes.

Submission:

Labcorp Genetics (formerly Invitae), Labcorp
Classification: Uncertain significance. Last evaluated: 2025-04-21. Review status: criteria provided, single submitter. Criteria: Invitae Variant Classification Sherloc (09022015). Collection method: clinical testing. Allele origin: germline.
Comment: This sequence change replaces arginine, which is basic and polar, with cysteine, which is neutral and slightly polar, at codon 443 of the TOP1MT protein (p.Arg443Cys). This variant is present in population databases (rs776857154, gnomAD 0.02%). This variant has not been reported in the literature in individuals affected with TOP1MT-related conditions. Invitae Evidence Modeling of protein sequence and biophysical properties (such as structural, functional, and spatial information, amino acid conservation, physicochemical variation, residue mobility, and thermodynamic stability) indicates that this missense variant is not expected to disrupt TOP1MT protein function with a negative predictive value of 80%. In summary, the available evidence is currently insufficient to determine the role of this variant in disease. Therefore, it has been classified as a Variant of Uncertain Significance.

NM_052963.3(TOP1MT):c.1327C>T (p.Arg443Cys)

Gene: TOP1MT (DNA topoisomerase I mitochondrial; minus strand). Cytogenetic location: 8q24.3.
Variant type: single nucleotide variant.
Coding change: c.1327C>T on transcript NM_052963.3 (MANE Select); coding-DNA position 1327, C replaced by T.
Protein change: p.Arg443Cys; replaces arginine 443 with cysteine.
Molecular consequence: missense variant.
Genome position (GRCh38, 1-based): chr8:143,317,726, G>A on the plus strand (C>T on the coding strand, the complement: TOP1MT is on the minus strand). VCF-style: chr8-143317726-G-A. GRCh37 (hg19) VCF-style: chr8-144399896-G-A.
Other names: c.1033C>T, p.Arg345Cys (NM_001258446.1, NM_001258447.1); short protein forms R443C, R345C.
Identifiers: ClinVar variation 4741292 (VCV004741292.1).